The following is an entry in ClinVar:

ClinVar aggregate classification (germline): Uncertain significance. Review status: criteria provided, multiple submitters, no conflicts (2 of 4 stars). 3 submissions from 3 submitters: Uncertain significance (3). Last evaluated 2023-07-17.

Conditions:
Cardiovascular phenotype. Identifiers: MedGen CN230736.
Dilated cardiomyopathy 1W (CMD1W). Identifiers: Orphanet 154, MedGen C1969639, MONDO:0012667, OMIM 611407.

Allele frequency attached by ClinVar (database versions not stated): gnomAD exomes below 0.00001.
gnomAD v4.1: 1 of 1,570,380 alleles (0.000064%); highest among the groups gnomAD compares: Non-Finnish European, 0.000086%; no homozygotes.

Submissions (3):

Labcorp Genetics (formerly Invitae), Labcorp
Classification: Uncertain significance for Dilated cardiomyopathy 1W. Last evaluated: 2023-07-17. Review status: criteria provided, single submitter. Criteria: Invitae Variant Classification Sherloc (09022015). Collection method: clinical testing. Allele origin: germline.
Comment: In summary, the available evidence is currently insufficient to determine the role of this variant in disease. Therefore, it has been classified as a Variant of Uncertain Significance. An algorithm developed to predict the effect of missense changes on protein structure and function (PolyPhen-2) suggests that this variant is likely to be disruptive. ClinVar contains an entry for this variant (Variation ID: 1723116). This variant has not been reported in the literature in individuals affected with VCL-related conditions. This variant is not present in population databases (gnomAD no frequency). This sequence change replaces leucine, which is neutral and non-polar, with valine, which is neutral and non-polar, at codon 40 of the VCL protein (p.Leu40Val).

GeneDx
Classification: Uncertain significance. Last evaluated: 2022-05-03. Review status: criteria provided, single submitter. Criteria: GeneDx Variant Classification Process June 2021. Collection method: clinical testing. Allele origin: germline. Affected: yes.
Comment: Has not been previously published as pathogenic or benign to our knowledge; In silico analysis supports that this missense variant has a deleterious effect on protein structure/function; Not observed at significant frequency in large population cohorts (gnomAD)

Ambry Genetics
Classification: Uncertain significance for Cardiovascular phenotype. Last evaluated: 2020-10-06. Review status: criteria provided, single submitter. Criteria: Ambry Variant Classification Scheme 2023. Collection method: clinical testing. Allele origin: germline.
Comment: The p.L40V variant (also known as c.118C>G), located in coding exon 1 of the VCL gene, results from a C to G substitution at nucleotide position 118. The leucine at codon 40 is replaced by valine, an amino acid with highly similar properties. This amino acid position is highly conserved in available vertebrate species. In addition, this alteration is predicted to be tolerated by in silico analysis. Since supporting evidence is limited at this time, the clinical significance of this alteration remains unclear.

NM_014000.3(VCL):c.118C>G (p.Leu40Val)

Genes: VCL (vinculin; plus strand), LOC130004109 (ATAC-STARR-seq lymphoblastoid active region 3587; plus strand). Cytogenetic location: 10q22.2.
Variant type: single nucleotide variant.
Coding change: c.118C>G on transcript NM_014000.3 (MANE Select); coding-DNA position 118, C replaced by G.
Protein change: p.Leu40Val; replaces leucine 40 with valine.
Molecular consequence: missense variant.
Genome position (GRCh38, 1-based): chr10:73,998,325, C>G. VCF-style: chr10-73998325-C-G. GRCh37 (hg19) VCF-style: chr10-75758083-C-G.
Other names: c.118C>G, p.Leu40Val (NM_003373.4); short protein forms L40V.
Identifiers: ClinVar variation 1723116 (VCV001723116.7), dbSNP rs1840154450, ClinGen allele CA377255283.